The following is an entry in ClinVar:

NM_001365999.1(SZT2):c.6573C>T (p.Asp2191=)

Gene: SZT2 (SZT2 subunit of KICSTOR complex; plus strand). Cytogenetic location: 1p34.2.
Variant type: single nucleotide variant.
Coding change: c.6573C>T on transcript NM_001365999.1 (MANE Select); coding-DNA position 6573, C replaced by T.
Protein change: p.Asp2191=; no amino-acid change (aspartic acid 2191 retained).
Molecular consequence: synonymous variant.
Genome position (GRCh38, 1-based): chr1:43,438,763, C>T. VCF-style: chr1-43438763-C-T. GRCh37 (hg19) VCF-style: chr1-43904434-C-T.
Other names: c.6402C>T, p.Asp2134= (NM_015284.4).
Identifiers: ClinVar variation 586769 (VCV000586769.45), dbSNP rs114046098, ClinGen allele CA809947.

ClinVar aggregate classification (germline): Benign/Likely benign. Review status: criteria provided, multiple submitters, no conflicts (2 of 4 stars). 10 submissions from 10 submitters: Benign (2); Likely benign (6). 2 of the submissions do not count toward it. Last evaluated 2026-09-01.

Conditions:
Inborn genetic diseases. Identifiers: MedGen C0950123, MeSH D030342.
Developmental and epileptic encephalopathy, 18 (DEE18). Also called: Early infantile epileptic encephalopathy 18. Identifiers: Orphanet 369894, MedGen C3809624, MONDO:0014201, OMIM 615476.

Allele frequency attached by ClinVar (database versions not stated): gnomAD exomes 0.00024 and 0.00074; ExAC 0.00092; ESP Exome Variant Server 0.00146; gnomAD 0.00255 and 0.00267; TOPMed 0.00275; 1000 Genomes Project 0.00479; 1000 Genomes Project 30x 0.00547.
gnomAD v4.1: 760 of 1,614,148 alleles (0.047%); highest among the groups gnomAD compares: African/African-American, 0.77%; 3 homozygotes.

Submissions (10):

CeGaT Center for Human Genetics Tuebingen
Classification: Likely benign. Last evaluated: 2026-09-01. Review status: criteria provided, single submitter. Criteria: CeGaT Center For Human Genetics Tuebingen Variant Classification Criteria Version 2. Collection method: clinical testing. Allele origin: germline. Affected: yes. Observed: 5 variant alleles.
Comment: SZT2: BP4, BP7

Labcorp Genetics (formerly Invitae), Labcorp
Classification: Benign. Last evaluated: 2026-02-03. Review status: criteria provided, single submitter. Criteria: Invitae Variant Classification Sherloc (09022015). Collection method: clinical testing. Allele origin: germline.

Blueprint Genetics
Classification: Likely benign. Last evaluated: 2024-05-24. Review status: criteria provided, single submitter. Criteria: ACMG Guidelines, 2015. Collection method: clinical testing. Allele origin: germline.

Genome-Nilou Lab
Classification: Likely benign for Developmental and epileptic encephalopathy, 18. Last evaluated: 2023-04-11. Review status: criteria provided, single submitter. Criteria: ACMG Guidelines, 2015. Collection method: clinical testing. Allele origin: germline. Affected: no.

GeneDx
Classification: Likely benign. Last evaluated: 2020-08-28. Review status: criteria provided, single submitter. Criteria: GeneDx Variant Classification Process June 2021. Collection method: clinical testing. Allele origin: germline. Affected: yes.

Athena Diagnostics
Classification: Likely benign. Last evaluated: 2017-11-20. Review status: criteria provided, single submitter. Criteria: Athena Diagnostics Criteria. Collection method: clinical testing. Allele origin: germline.

Ambry Genetics
Classification: Benign for Inborn genetic diseases. Last evaluated: 2017-06-30. Review status: criteria provided, single submitter. Criteria: Ambry Variant Classification Scheme 2023. Collection method: clinical testing. Allele origin: germline.

Breakthrough Genomics
Classification: Likely benign. Review status: criteria provided, single submitter. Criteria: ACMG Guidelines, 2015. Collection method: not provided. Allele origin: germline. Inheritance: Autosomal recessive inheritance. Affected: yes.

Clinical Genetics DNA and cytogenetics Diagnostics Lab, Erasmus MC, Erasmus Medical Center
Classification: Likely benign. Review status: no assertion criteria provided. Collection method: clinical testing. Allele origin: germline. Affected: yes. Study: VKGL Data-share Consensus. Not counted in ClinVar's aggregate classification.

Genome Diagnostics Laboratory, University Medical Center Utrecht
Classification: Likely benign. Review status: no assertion criteria provided. Collection method: clinical testing. Allele origin: germline. Affected: yes. Study: VKGL Data-share Consensus. Not counted in ClinVar's aggregate classification.